The following is an entry in ClinVar:

NM_001271.4(CHD2):c.2769G>A (p.Glu923=)

Gene: CHD2 (chromodomain helicase DNA binding protein 2; plus strand). Cytogenetic location: 15q26.1.
Variant type: single nucleotide variant.
Coding change: c.2769G>A on transcript NM_001271.4 (MANE Select); coding-DNA position 2769, G replaced by A.
Protein change: p.Glu923=; no amino-acid change (glutamic acid 923 retained).
Molecular consequence: synonymous variant.
Genome position (GRCh38, 1-based): chr15:92,979,176, G>A. VCF-style: chr15-92979176-G-A. GRCh37 (hg19) VCF-style: chr15-93522406-G-A.
Identifiers: ClinVar variation 1150419 (VCV001150419.12), dbSNP rs755268343, ClinGen allele CA7748069.

ClinVar aggregate classification (germline): Likely benign. Review status: criteria provided, multiple submitters, no conflicts (2 of 4 stars). 3 submissions from 3 submitters: Likely benign (2). 1 of the submissions does not count toward it. Last evaluated 2025-05-17.

Conditions:
CHD2-related disorder. Also called: CHD2-related condition.
Inborn genetic diseases. Identifiers: MedGen C0950123, MeSH D030342.
Developmental and epileptic encephalopathy 94 (DEE94). Also called: CHD2-Related Neurodevelopmental Disorders; Epileptic encephalopathy, childhood-onset. Identifiers: Orphanet 1942, Orphanet 2382, MedGen C3809278, MONDO:0014150, OMIM 615369.

Allele frequency attached by ClinVar (database versions not stated): gnomAD exomes below 0.00001 and 0.00001; ExAC 0.00001; gnomAD 0.00003; TOPMed 0.00005.
gnomAD v4.1: 17 of 1,613,898 alleles (0.0011%); highest among the groups gnomAD compares: African/African-American, 0.0027%; no homozygotes.

Submissions (3):

Labcorp Genetics (formerly Invitae), Labcorp
Classification: Likely benign for Developmental and epileptic encephalopathy 94. Last evaluated: 2025-05-17. Review status: criteria provided, single submitter. Criteria: Invitae Variant Classification Sherloc (09022015). Collection method: clinical testing. Allele origin: germline.

Ambry Genetics
Classification: Likely benign for Inborn genetic diseases. Last evaluated: 2018-01-04. Review status: criteria provided, single submitter. Criteria: Ambry Variant Classification Scheme 2023. Collection method: clinical testing. Allele origin: germline.

PreventionGenetics, part of Exact Sciences
Classification: Likely benign for CHD2-related condition. Last evaluated: 2024-06-17. Review status: no assertion criteria provided. Collection method: clinical testing. Allele origin: germline. Not counted in ClinVar's aggregate classification.
Comment: This variant is classified as likely benign based on ACMG/AMP sequence variant interpretation guidelines (Richards et al. 2015 PMID: 25741868, with internal and published modifications).